The following is an entry in ClinVar:

NM_000049.4(ASPA):c.841G>A (p.Val281Met)

Genes: ASPA (aspartoacylase; plus strand), SPATA22 (spermatogenesis associated 22; minus strand). Cytogenetic location: 17p13.2.
Variant type: single nucleotide variant.
Coding change: c.841G>A on transcript NM_000049.4 (MANE Select); coding-DNA position 841, G replaced by A.
Protein change: p.Val281Met; replaces valine 281 with methionine.
Molecular consequence: missense variant. On other transcripts: intron variant (2).
Genome position (GRCh38, 1-based): chr17:3,498,987, G>A. VCF-style: chr17-3498987-G-A. GRCh37 (hg19) VCF-style: chr17-3402281-G-A.
Other names: c.841G>A, p.Val281Met (NM_001128085.1); c.-74+14425C>T (NM_001321336.2, NM_001321337.2); short protein forms V281M.
Identifiers: ClinVar variation 1121636 (VCV001121636.11), dbSNP rs141858640, ClinGen allele CA8289050.

ClinVar aggregate classification (germline): Conflicting classifications of pathogenicity. Review status: criteria provided, conflicting classifications (1 of 4 stars). 3 submissions from 3 submitters: Uncertain significance (2); Likely benign (1). Last evaluated 2026-05-29.

Conditions:
ASPA-related disorder. Also called: ASPA-related condition.
Spongy degeneration of central nervous system. Also called: ACY2 DEFICIENCY; AMINOACYLASE 2 DEFICIENCY; ASP DEFICIENCY; ASPA DEFICIENCY; ASPARTOACYLASE DEFICIENCY; CANAVAN-VAN BOGAERT-BERTRAND DISEASE. Identifiers: Orphanet 141, MedGen C0206307, MONDO:0010079, OMIM 271900.

Allele frequency attached by ClinVar (database versions not stated): gnomAD exomes 0.00009 and 0.00019; ESP Exome Variant Server 0.00008; TOPMed 0.00012; 1000 Genomes Project 30x 0.00016; gnomAD 0.00010; ExAC 0.00011.
gnomAD v4.1: 287 of 1,614,166 alleles (0.018%); highest among the groups gnomAD compares: Non-Finnish European, 0.023%; 1 homozygote.

Submissions (3):

PreventionGenetics, part of Exact Sciences
Classification: Uncertain significance for ASPA-related condition. Last evaluated: 2026-05-29. Review status: criteria provided, single submitter. Criteria: ACMG Guidelines, 2015. Collection method: clinical testing. Allele origin: germline.
Comment: The ASPA c.841G>A variant is predicted to result in the amino acid substitution p.Val281Met. To our knowledge, this variant has not been reported in the literature. This variant is reported in 0.015% of alleles in individuals of European (Non-Finnish) descent in gnomAD. At this time, the clinical significance of this variant is uncertain due to the absence of conclusive functional and genetic evidence.

Labcorp Genetics (formerly Invitae), Labcorp
Classification: Likely benign for Spongy degeneration of central nervous system. Last evaluated: 2026-01-26. Review status: criteria provided, single submitter. Criteria: Invitae Variant Classification Sherloc (09022015). Collection method: clinical testing. Allele origin: germline.

Blueprint Genetics
Classification: Uncertain significance. Last evaluated: 2024-10-24. Review status: criteria provided, single submitter. Criteria: ACMG Guidelines, 2015. Collection method: clinical testing. Allele origin: germline.